The following is an entry in ClinVar:

ClinVar aggregate classification (germline): Uncertain significance (1 of 4 stars; one submission).

Allele frequency attached by ClinVar (database versions not stated): gnomAD exomes below 0.00001.

Submission:

Labcorp Genetics (formerly Invitae), Labcorp
Classification: Uncertain significance. Last evaluated: 2022-06-15. Review status: criteria provided, single submitter. Criteria: Invitae Variant Classification Sherloc (09022015). Collection method: clinical testing. Allele origin: germline.
Comment: This variant has not been reported in the literature in individuals affected with ITM2B-related conditions. In summary, the available evidence is currently insufficient to determine the role of this variant in disease. Therefore, it has been classified as a Variant of Uncertain Significance. Algorithms developed to predict the effect of missense changes on protein structure and function are either unavailable or do not agree on the potential impact of this missense change (SIFT: "Deleterious"; PolyPhen-2: "Probably Damaging"; Align-GVGD: "Class C0"). This variant is present in population databases (no rsID available, gnomAD 0.0009%). This sequence change replaces cysteine, which is neutral and slightly polar, with tyrosine, which is neutral and polar, at codon 248 of the ITM2B protein (p.Cys248Tyr).

NM_021999.5(ITM2B):c.743G>A (p.Cys248Tyr)

Gene: ITM2B (integral membrane protein 2B; plus strand). Cytogenetic location: 13q14.2.
Variant type: single nucleotide variant.
Coding change: c.743G>A on transcript NM_021999.5 (MANE Select); coding-DNA position 743, G replaced by A.
Protein change: p.Cys248Tyr; replaces cysteine 248 with tyrosine.
Molecular consequence: missense variant.
Genome position (GRCh38, 1-based): chr13:48,261,166, G>A. VCF-style: chr13-48261166-G-A. GRCh37 (hg19) VCF-style: chr13-48835302-G-A.
Other names: short protein forms C248Y.
Identifiers: ClinVar variation 2110019 (VCV002110019.4), dbSNP rs1365902742, ClinGen allele CA388252171.